The following is an entry in ClinVar:

NM_001267550.2(TTN):c.89503+1G>C

Genes: TTN-AS1 (TTN antisense RNA 1; plus strand), TTN (titin; minus strand). Cytogenetic location: 2q31.2.
Variant type: single nucleotide variant.
Coding change: c.89503+1G>C on transcript NM_001267550.2 (MANE Select); the canonical splice donor site of the intron after coding-DNA position 89503, G replaced by C.
Molecular consequence: splice donor variant.
Genome position (GRCh38, 1-based): chr2:178,553,501, C>G on the plus strand (G>C on the coding strand, the complement: TTN is on the minus strand). VCF-style: chr2-178553501-C-G. GRCh37 (hg19) VCF-style: chr2-179418228-C-G.
Other names: c.62308+1G>C (NM_003319.4); c.62884+1G>C (NM_133437.4); c.62683+1G>C (NM_133432.3); c.81799+1G>C (NM_133378.4); c.84580+1G>C (NM_001256850.1).
Identifiers: ClinVar variation 581746 (VCV000581746.7), dbSNP rs1559218619, ClinGen allele CA349518134.
Genomic context (GRCh38, chr2:178,553,501, plus strand): 5'-AAAGAGTGATTTCCTGGAAGTATGCTTATTAAAAAACATAATCAAACCAGTAGGTACATA[C>G]CAAGTATATCTTTAGCTTGTACAGGTTCATTCATTTCTATAGGTTCTCCTTGTCCAGCAC-3'

ClinVar aggregate classification (germline): Likely pathogenic (1 of 4 stars; one submission).

Conditions:
Autosomal recessive limb-girdle muscular dystrophy type 2J (LGMDR10). Also called: Limb-girdle muscular dystrophy, type 2J; MUSCULAR DYSTROPHY, LIMB-GIRDLE, AUTOSOMAL RECESSIVE 10. Identifiers: Orphanet 140922, MedGen C1837342, MONDO:0012127, OMIM 608807.
Dilated cardiomyopathy 1G (CMD1G). Identifiers: Orphanet 154, MedGen C1858763, MONDO:0011400, OMIM 604145.

Submission:

Labcorp Genetics (formerly Invitae), Labcorp
Classification: Likely pathogenic for Dilated cardiomyopathy 1G; Autosomal recessive limb-girdle muscular dystrophy type 2J. Last evaluated: 2025-03-10. Review status: criteria provided, single submitter. Criteria: Invitae Variant Classification Sherloc (09022015). Collection method: clinical testing. Allele origin: germline.
Comment: This sequence change affects a donor splice site in intron 334 of the TTN gene. It is expected to disrupt RNA splicing and likely results in a truncated or disrupted TTN protein. This variant is not present in population databases (gnomAD no frequency). This variant has not been reported in the literature in individuals affected with TTN-related conditions. ClinVar contains an entry for this variant (Variation ID: 581746). Algorithms developed to predict the effect of sequence changes on RNA splicing suggest that this variant may disrupt the consensus splice site. This variant is located in the A band of TTN (PMID: 25589632). Truncating variants in this region are significantly overrepresented in patients affected with dilated cardiomyopathy (PMID: 25589632). Truncating variants in this region have also been reported in individuals affected with autosomal recessive centronuclear myopathy (PMID: 23975875). In summary, the currently available evidence indicates that the variant is pathogenic, but additional data are needed to prove that conclusively. Therefore, this variant has been classified as Likely Pathogenic.

Literature cited by the submitters: PubMed 25589632; PubMed 23975875.